The following is an entry in ClinVar:

ClinVar aggregate classification (germline): Pathogenic. Review status: criteria provided, multiple submitters, no conflicts (2 of 4 stars). 6 submissions from 6 submitters: Pathogenic (5). 1 of the submissions does not count toward it. Last evaluated 2026-10-12.

Conditions:
THRB-related disorder. Also called: THRB-related condition.
Hyperthyroidism. Identifiers: MedGen C0020550, MONDO:0004425, HP:0000836.
Thyroid hormone resistance, generalized, autosomal dominant (GRTHD). Also called: HYPERTHYROXINEMIA, FAMILIAL EUTHYROID, SECONDARY TO PITUITARY AND PERIPHERAL RESISTANCE TO THYROID HORMONES. Identifiers: MedGen C2937288, MONDO:0008569, OMIM 188570.
Selective pituitary resistance to thyroid hormone. Also called: HYPERTHYROIDISM, FAMILIAL, DUE TO INAPPROPRIATE THYROTROPIN SECRETION. Identifiers: MedGen C1840364, MONDO:0007784, OMIM 145650.

Allele frequency attached by ClinVar (database versions not stated): gnomAD exomes below 0.00001; ExAC 0.00001.
gnomAD v4.1: 1 of 1,614,160 alleles (0.000062%); highest among the groups gnomAD compares: East Asian, 0.0022%; no homozygotes.

Submissions (6):

Cambridge Genomics Laboratory, East Genomic Laboratory Hub, NHS Genomic Medicine Service
Classification: Pathogenic for Hyperthyroidism. Last evaluated: 2026-10-12. Review status: criteria provided, single submitter. Criteria: ACGS Best Practice Guidelines for Variant Classification in Rare Disease 2020. Collection method: clinical testing. Allele origin: germline. Affected: yes.
Comment: PS3_Supporting,PS4_Moderate,PM1_Supporting,PM2_Supporting,PP1_Strong,PP2,PP3,PP4

GeneDx
Classification: Pathogenic. Last evaluated: 2024-07-08. Review status: criteria provided, single submitter. Criteria: GeneDx Variant Classification Process June 2021. Collection method: clinical testing. Allele origin: germline. Affected: yes.
Comment: Published functional studies demonstrate significantly reduced T3 binding, impaired TRbeta homodimerization, and reduced ability to activate transcription (PMID: 20615127, 12554782); Not observed at significant frequency in large population cohorts (gnomAD); In silico analysis supports that this missense variant has a deleterious effect on protein structure/function; This variant is associated with the following publications: (PMID: 12554782, 25040256, 9140079, 1400873, 20615127, 8200958, 1991834, 8013151, 8381821, 31589614, 34382419, 8040303)

Blueprint Genetics
Classification: Pathogenic for THRB-related disorders. Last evaluated: 2022-03-30. Review status: criteria provided, single submitter. Criteria: ACMG Guidelines, 2015. Collection method: clinical testing. Allele origin: germline. Affected: yes. Observed: 2 variant alleles.

Women's Health and Genetics/Laboratory Corporation of America, LabCorp
Classification: Pathogenic for Thyroid hormone resistance, generalized, autosomal dominant. Last evaluated: 2022-02-08. Review status: criteria provided, single submitter. Criteria: LabCorp Variant Classification Summary - May 2015. Collection method: clinical testing. Allele origin: germline.
Comment: Variant summary: THRB c.947G>A (p.Arg316His) results in a non-conservative amino acid change located in the Nuclear hormone receptor, ligand-binding domain (IPR000536) of the encoded protein sequence. Five of five in-silico tools predict a damaging effect of the variant on protein function. The variant allele was found at a frequency of 4e-06 in 251446 control chromosomes. c.947G>A has been reported in the literature in individuals and co-segregating families affected with autosomal dominant generalized Thyroid Hormone Resistance (example, Dieu_2020, Adams_1994, Macchia_2014). These data indicate that the variant is likely to be associated with disease. Multiple publications report experimental evidence evaluating an impact on protein function (example, Adams_1994, Macchia_2014). The most pronounced variant effect results in <10% of normal affinity constant for T3 binding by receptors. No clinical diagnostic laboratories have submitted clinical-significance assessments for this variant to ClinVar after 2014. Based on the evidence outlined above, the variant was classified as pathogenic.

Quest Diagnostics Nichols Institute San Juan Capistrano
Classification: Pathogenic. Last evaluated: 2021-09-09. Review status: criteria provided, single submitter. Criteria: Quest Diagnostics criteria. Collection method: clinical testing. Allele origin: unknown.
Comment: In the published literature, this variant has been reported in multiple families with either a pituitary or generalized resistance to thyroid hormone (RTH) including the healthy members implying a possible incomplete penetrance of this variant (PMIDs: 8381821 (1993), 8040303 (1994), 7593433 (1995), and 25040256 (2014)). In addition, functional studies have shown that this variant has a deleterious effect on THRB protein function (PMIDs: 8381821 (1993), 7838159 (1994)12554782 (2003), 21795843 (2012), and 25040256 (2014)).

OMIM
Classification: Pathogenic for THYROID HORMONE RESISTANCE, SELECTIVE PITUITARY. Last evaluated: 1994-05-01. Review status: no assertion criteria provided. Collection method: literature only. Allele origin: germline. Not counted in ClinVar's aggregate classification.

Literature cited by the submitters: PubMed 8040303 (cited by Women's Health and Genetics/Laboratory Corporation of America, LabCorp and Quest Diagnostics Nichols Institute San Juan Capistrano); PubMed 25040256 (cited by Women's Health and Genetics/Laboratory Corporation of America, LabCorp and Quest Diagnostics Nichols Institute San Juan Capistrano); PubMed 32635414 (cited by Women's Health and Genetics/Laboratory Corporation of America, LabCorp); PubMed 21795843 (cited by Quest Diagnostics Nichols Institute San Juan Capistrano); PubMed 7593433 (cited by Quest Diagnostics Nichols Institute San Juan Capistrano); PubMed 8013151 (cited by Quest Diagnostics Nichols Institute San Juan Capistrano and OMIM); PubMed 8381821 (cited by Quest Diagnostics Nichols Institute San Juan Capistrano and OMIM); PubMed 12554782 (cited by Quest Diagnostics Nichols Institute San Juan Capistrano); PubMed 8200958 (cited by Quest Diagnostics Nichols Institute San Juan Capistrano); PubMed 7838159 (cited by Quest Diagnostics Nichols Institute San Juan Capistrano); PubMed 9140079 (cited by Quest Diagnostics Nichols Institute San Juan Capistrano); PubMed 34382419 (cited by Quest Diagnostics Nichols Institute San Juan Capistrano); PubMed 30148208 (cited by Quest Diagnostics Nichols Institute San Juan Capistrano); PubMed 1400873 (cited by OMIM).

NM_001354712.2(THRB):c.947G>A (p.Arg316His)

Gene: THRB (thyroid hormone receptor beta; minus strand). Cytogenetic location: 3p24.2.
Variant type: single nucleotide variant.
Coding change: c.947G>A on transcript NM_001354712.2 (MANE Select); coding-DNA position 947, G replaced by A.
Protein change: p.Arg316His; replaces arginine 316 with histidine.
Molecular consequence: missense variant.
Genome position (GRCh38, 1-based): chr3:24,127,696, C>T on the plus strand (G>A on the coding strand, the complement: THRB is on the minus strand). VCF-style: chr3-24127696-C-T. GRCh37 (hg19) VCF-style: chr3-24169187-C-T.
Other names: c.947G>A, p.Arg316His (NM_000461.5, NM_001128176.3, NM_001128177.2 and 6 more transcripts); c.854G>A, p.Arg285His (NM_001354714.2, NM_001354715.2); short protein forms R316H, R285H.
Identifiers: ClinVar variation 12555 (VCV000012555.6), dbSNP rs121918695, ClinGen allele CA122491.